The following is an entry in ClinVar:

NM_000263.4(NAGLU):c.1439C>T (p.Ala480Val)

Gene: NAGLU (N-acetyl-alpha-glucosaminidase; plus strand). Cytogenetic location: 17q21.2.
Variant type: single nucleotide variant.
Coding change: c.1439C>T on transcript NM_000263.4 (MANE Select); coding-DNA position 1439, C replaced by T.
Protein change: p.Ala480Val; replaces alanine 480 with valine.
Molecular consequence: missense variant.
Genome position (GRCh38, 1-based): chr17:42,543,445, C>T. VCF-style: chr17-42543445-C-T. GRCh37 (hg19) VCF-style: chr17-40695463-C-T.
Other names: short protein forms A480V.
Identifiers: ClinVar variation 2201962 (VCV002201962.4), dbSNP rs777931564, ClinGen allele CA399602517.
Genomic context (GRCh38, chr17:42,543,445, plus strand): 5'-AGCTGGGCTGGCGAAAGGACCCAGTGCCAGATTTGGCAGCCTGGGTGACCAGCTTTGCCG[C>T]CCGGCGGTATGGGGTCTCCCACCCGGACGCAGGGGCAGCGTGGAGGCTACTGCTCCGGAG-3'
Protein context (NP_000254.2, residues 470-490): DLAAWVTSFA[Ala480Val]RRYGVSHPDA

ClinVar aggregate classification (germline): Uncertain significance (1 of 4 stars; one submission).

Conditions:
Charcot-Marie-Tooth disease axonal type 2V. Also called: CHARCOT-MARIE-TOOTH NEUROPATHY, TYPE 2V; CHARCOT-MARIE-TOOTH DISEASE, AXONAL, AUTOSOMAL DOMINANT, TYPE 2V. Identifiers: Orphanet 447964, MedGen C5569050, MONDO:0014665, OMIM 616491.
Mucopolysaccharidosis, MPS-III-B (MPS3B). Also called: N-ACETYL-ALPHA-D-GLUCOSAMINIDASE DEFICIENCY; NAGLU DEFICIENCY; SANFILIPPO SYNDROME B; MPS III B; MUCOPOLYSACCHARIDOSIS, TYPE IIIB; Mucopolysaccharidosis type IIIB (Sanfilippo B). Identifiers: Orphanet 79270, MedGen C0086648, MONDO:0009656, OMIM 252920.

Allele frequency attached by ClinVar (database versions not stated): gnomAD 0.00001; gnomAD exomes below 0.00001.

Submission:

Labcorp Genetics (formerly Invitae), Labcorp
Classification: Uncertain significance for Charcot-Marie-Tooth disease axonal type 2V; Mucopolysaccharidosis, MPS-III-B. Last evaluated: 2023-07-17. Review status: criteria provided, single submitter. Criteria: Invitae Variant Classification Sherloc (09022015). Collection method: clinical testing. Allele origin: germline.
Comment: In summary, the available evidence is currently insufficient to determine the role of this variant in disease. Therefore, it has been classified as a Variant of Uncertain Significance. Advanced modeling of protein sequence and biophysical properties (such as structural, functional, and spatial information, amino acid conservation, physicochemical variation, residue mobility, and thermodynamic stability) has been performed at Invitae for this missense variant, however the output from this modeling did not meet the statistical confidence thresholds required to predict the impact of this variant on NAGLU protein function. ClinVar contains an entry for this variant (Variation ID: 2201962). This variant has not been reported in the literature in individuals affected with NAGLU-related conditions. This variant is not present in population databases (gnomAD no frequency). This sequence change replaces alanine, which is neutral and non-polar, with valine, which is neutral and non-polar, at codon 480 of the NAGLU protein (p.Ala480Val).